The following is an entry in ClinVar:

NM_032043.3(BRIP1):c.2533G>A (p.Val845Met)

Gene: BRIP1 (BRCA1 interacting DNA helicase 1; minus strand). Cytogenetic location: 17q23.2.
Variant type: single nucleotide variant.
Coding change: c.2533G>A on transcript NM_032043.3 (MANE Select); coding-DNA position 2533, G replaced by A.
Protein change: p.Val845Met; replaces valine 845 with methionine.
Molecular consequence: missense variant.
Genome position (GRCh38, 1-based): chr17:61,693,472, C>T on the plus strand (G>A on the coding strand, the complement: BRIP1 is on the minus strand). VCF-style: chr17-61693472-C-T. GRCh37 (hg19) VCF-style: chr17-59770833-C-T.
Other names: short protein forms V845M.
Identifiers: ClinVar variation 3482451 (VCV003482451.1).

ClinVar aggregate classification (germline): Uncertain significance (1 of 4 stars; one submission).

Conditions:
Hereditary cancer-predisposing syndrome. Also called: Tumor predisposition; Neoplastic Syndromes, Hereditary; Hereditary Cancer Syndrome; Hereditary neoplastic syndrome. Identifiers: Orphanet 140162, MedGen C0027672, MeSH D009386, MONDO:0015356.

Submission:

Ambry Genetics
Classification: Uncertain significance for Hereditary cancer-predisposing syndrome. Last evaluated: 2024-09-30. Review status: criteria provided, single submitter. Criteria: Ambry Variant Classification Scheme 2023. Collection method: clinical testing. Allele origin: germline.
Comment: The p.V845M variant (also known as c.2533G>A), located in coding exon 17 of the BRIP1 gene, results from a G to A substitution at nucleotide position 2533. The valine at codon 845 is replaced by methionine, an amino acid with highly similar properties. This amino acid position is conserved. In addition, the in silico prediction for this alteration is inconclusive. Based on the available evidence, the clinical significance of this variant remains unclear.